The following is an entry in ClinVar:

NM_024675.4(PALB2):c.3202-18A>G

Gene: PALB2 (partner and localizer of BRCA2; minus strand). Cytogenetic location: 16p12.2.
Variant type: single nucleotide variant.
Coding change: c.3202-18A>G on transcript NM_024675.4 (MANE Select); 18 bases into the intron before coding-DNA position 3202, A replaced by G.
Molecular consequence: intron variant.
Genome position (GRCh38, 1-based): chr16:23,608,030, T>C on the plus strand (A>G on the coding strand, the complement: PALB2 is on the minus strand). VCF-style: chr16-23608030-T-C. GRCh37 (hg19) VCF-style: chr16-23619351-T-C.
Other names: c.2923-18A>G (NM_001407300.1); c.3114-4361A>G (NM_001407299.1); c.3202-4361A>G (NM_001407301.1); c.2155-18A>G (NM_001407307.1); c.2229-4361A>G (NM_001407309.1, NM_001407308.1); c.2317-4361A>G (NM_001407311.1, NM_001407310.1); c.2317-18A>G (NM_001407305.1, NM_001407304.1, NM_001407306.1); c.736-18A>G (NM_001407314.1); and 6 more.
Identifiers: ClinVar variation 2700136 (VCV002700136.4), dbSNP rs2142274695, ClinGen allele CA2697555734.

ClinVar aggregate classification (germline): Likely benign. Review status: criteria provided, multiple submitters, no conflicts (2 of 4 stars). 2 submissions from 2 submitters: Likely benign (2). Last evaluated 2025-01-21.

Conditions:
Familial cancer of breast. Also called: hereditary breast carcinoma; Hereditary breast cancer; BREAST CANCER, FAMILIAL. Identifiers: Orphanet 227535, MedGen C0346153, MONDO:0016419, OMIM 114480. Disease mechanism: loss of function.

Submissions (2):

Myriad Genetics, Inc.
Classification: Likely benign for Familial cancer of breast. Last evaluated: 2025-01-21. Review status: criteria provided, single submitter. Criteria: Myriad Autosomal Dominant, Autosomal Recessive and X-Linked Classification Criteria (2023). Collection method: clinical testing. Allele origin: unknown.
Comment: This variant is considered likely benign. This variant is intronic and is not expected to impact mRNA splicing.

Labcorp Genetics (formerly Invitae), Labcorp
Classification: Likely benign for Familial cancer of breast. Last evaluated: 2023-12-02. Review status: criteria provided, single submitter. Criteria: Invitae Variant Classification Sherloc (09022015). Collection method: clinical testing. Allele origin: germline.